The following is an entry in ClinVar:

ClinVar aggregate classification (germline): Uncertain significance (1 of 4 stars; one submission).

Allele frequency attached by ClinVar (database versions not stated): gnomAD exomes below 0.00001.
gnomAD v4.1: 2 of 1,613,910 alleles (0.00012%); highest among the groups gnomAD compares: Non-Finnish European, 0.00017%; no homozygotes.

Submission:

Labcorp Genetics (formerly Invitae), Labcorp
Classification: Uncertain significance. Last evaluated: 2022-11-19. Review status: criteria provided, single submitter. Criteria: Invitae Variant Classification Sherloc (09022015). Collection method: clinical testing. Allele origin: germline.
Comment: In summary, the available evidence is currently insufficient to determine the role of this variant in disease. Therefore, it has been classified as a Variant of Uncertain Significance. Algorithms developed to predict the effect of sequence changes on RNA splicing suggest that this variant may disrupt the consensus splice site. This variant has not been reported in the literature in individuals affected with MYH3-related conditions. This variant is not present in population databases (gnomAD no frequency). This sequence change falls in intron 39 of the MYH3 gene. It does not directly change the encoded amino acid sequence of the MYH3 protein.

NM_002470.4(MYH3):c.5658+15T>G

Gene: MYH3 (myosin heavy chain 3; minus strand). Cytogenetic location: 17p13.1.
Variant type: single nucleotide variant.
Coding change: c.5658+15T>G on transcript NM_002470.4 (MANE Select); 15 bases into the intron after coding-DNA position 5658, T replaced by G.
Molecular consequence: intron variant.
Genome position (GRCh38, 1-based): chr17:10,629,827, A>C on the plus strand (T>G on the coding strand, the complement: MYH3 is on the minus strand). VCF-style: chr17-10629827-A-C. GRCh37 (hg19) VCF-style: chr17-10533144-A-C.
Identifiers: ClinVar variation 2880425 (VCV002880425.3), dbSNP rs2508560097, ClinGen allele CA2576172975.